The following is an entry in ClinVar:

ClinVar aggregate classification (germline): Pathogenic (1 of 4 stars; one submission).

Submission:

GeneDx
Classification: Pathogenic. Last evaluated: 2018-04-25. Review status: criteria provided, single submitter. Criteria: GeneDx Variant Classification (06012015). Collection method: clinical testing. Allele origin: germline. Affected: yes.
Comment: This deletion of 10 nucleotides in MSH6 is denoted c.3509_3518del10 at the cDNA level and p.Ile1170SerfsX11 (I1170SfsX11) at the protein level. The surrounding sequence is CCAA[del10]GTTT. The deletion causes a frameshift which changes an Isoleucine to a Serine at codon 1170, and creates a premature stop codon at position 11 of the new reading frame. Although this variant has not, to our knowledge, been reported in the literature, it is predicted to cause loss of normal protein function through either protein truncation or nonsense-mediated mRNA decay. We consider this variant to be pathogenic.

NM_000179.3(MSH6):c.3509_3518del (p.Ile1170fs)

Gene: MSH6 (mutS homolog 6; plus strand). Cytogenetic location: 2p16.3.
Variant type: Deletion.
Coding change: c.3509_3518del on transcript NM_000179.3 (MANE Select); coding-DNA positions 3509 to 3518, 10 bases deleted (TTGATAGAGT; older notation c.3509_3518delTTGATAGAGT).
Protein change: p.Ile1170fs; shifts the reading frame from isoleucine 1170.
Molecular consequence: frameshift variant.
Genome position (GRCh38, 1-based): chr2:47,804,980-47,804,989, TTGATAGAGT deleted. VCF-style (leftmost placement, unchanged base first): chr2-47804979-ATTGATAGAGT-A. GRCh37 (hg19) VCF-style: chr2-48032118-ATTGATAGAGT-A.
Other names: c.3119_3128del, p.Ile1040fs (NM_001281492.2); c.2603_2612del, p.Ile868fs (NM_001281493.2, NM_001281494.2); c.3509_3518delTTGATAGAGT (NM_000179.2); short protein forms I1040fs, I868fs, I1170fs.
Identifiers: ClinVar variation 545913 (VCV000545913.2), dbSNP rs1553332228, ClinGen allele CA658822265.